The following is an entry in ClinVar:

NM_001379200.1(TBX1):c.1387C>A (p.His463Asn)

Gene: TBX1 (T-box transcription factor 1; plus strand). Cytogenetic location: 22q11.21.
Variant type: single nucleotide variant.
Coding change: c.1387C>A on transcript NM_001379200.1 (MANE Select); coding-DNA position 1387, C replaced by A.
Protein change: p.His463Asn; replaces histidine 463 with asparagine.
Molecular consequence: missense variant. On other transcripts: intron variant (2).
Genome position (GRCh38, 1-based): chr22:19,766,739, C>A. VCF-style: chr22-19766739-C-A. GRCh37 (hg19) VCF-style: chr22-19754262-C-A.
Other names: c.1360C>A, p.His454Asn (NM_080647.1); c.1009+737C>A (NM_005992.1, NM_080646.2); short protein forms H454N, H463N.
Identifiers: ClinVar variation 1997555 (VCV001997555.5), dbSNP rs2517859326, ClinGen allele CA410685254.

ClinVar aggregate classification (germline): Uncertain significance. Review status: criteria provided, multiple submitters, no conflicts (2 of 4 stars). 2 submissions from 2 submitters: Uncertain significance (2). Last evaluated 2024-03-19.

Conditions:
Cardiovascular phenotype. Identifiers: MedGen CN230736.
DiGeorge syndrome. Also called: Catch22; THIRD AND FOURTH PHARYNGEAL POUCH SYNDROME. Identifiers: Orphanet 567, MedGen C0012236, MONDO:0008564, OMIM 188400.

Submissions (2):

Ambry Genetics
Classification: Uncertain significance for Cardiovascular phenotype. Last evaluated: 2024-03-19. Review status: criteria provided, single submitter. Criteria: Ambry Variant Classification Scheme 2023. Collection method: clinical testing. Allele origin: germline.
Comment: The p.H454N variant (also known as c.1360C>A), located in coding exon 8 of the TBX1 gene, results from a C to A substitution at nucleotide position 1360. The histidine at codon 454 is replaced by asparagine, an amino acid with similar properties. This amino acid position is conserved. In addition, this alteration is predicted to be tolerated by in silico analysis. Based on the available evidence, the clinical significance of this alteration remains unclear.

Labcorp Genetics (formerly Invitae), Labcorp
Classification: Uncertain significance for DiGeorge syndrome. Last evaluated: 2024-01-25. Review status: criteria provided, single submitter. Criteria: Invitae Variant Classification Sherloc (09022015). Collection method: clinical testing. Allele origin: germline.
Comment: This sequence change replaces histidine, which is basic and polar, with asparagine, which is neutral and polar, at codon 454 of the TBX1 protein (p.His454Asn). This variant is not present in population databases (gnomAD no frequency). This variant has not been reported in the literature in individuals affected with TBX1-related conditions. ClinVar contains an entry for this variant (Variation ID: 1997555). An algorithm developed to predict the effect of missense changes on protein structure and function (PolyPhen-2) suggests that this variant is likely to be tolerated. In summary, the available evidence is currently insufficient to determine the role of this variant in disease. Therefore, it has been classified as a Variant of Uncertain Significance.